The following is an entry in ClinVar:

ClinVar aggregate classification (germline): Likely pathogenic. Review status: reviewed by expert panel (3 of 4 stars). 2 submissions from 2 submitters: Likely pathogenic (1). 1 of the submissions does not count toward it. Last evaluated 2025-12-03.

Conditions:
Autosomal recessive limb-girdle muscular dystrophy. Identifiers: Orphanet 102015, MedGen C2931907, MONDO:0015152.

Submissions (2):

ClinGen Limb Girdle Muscular Dystrophy Variant Curation Expert Panel, ClinGen
Classification: Likely pathogenic for Autosomal recessive limb-girdle muscular dystrophy. Last evaluated: 2025-12-03. Review status: reviewed by expert panel. Criteria: ClinGen LGMD VCEP ACMG Specifications DYSF V2.0.0. Collection method: curation. Allele origin: germline. Inheritance: Autosomal recessive inheritance.
Comment: The NM_003494.4: c.3466T>C variant in DYSF, which is also known as NM_001130987.2: c.3520T>C p.(Cys1174Arg), is a missense variant predicted to cause substitution of cysteine by arginine at amino acid 1156, p.(Cys1156Arg). This variant has been reported in a homozygous state in one individual with suspected limb girdle muscular dystrophy without reported familial consanguinity (0.5 pts, PMID: 36983702; PM3_Supporting). This patient displayed progressive muscle weakness and absent dysferlin expression in blood monocytes, which is highly specific for DYSF-related LGMD (PP4_Strong). This variant is absent from gnomAD v4.1.0 (PM2_Supporting). Immunofluorescence and 2-A assays of dysferlin membrane localization in HEK293T cells showed the Cys1156Arg protein did not reach the cell membrane, indicating an impact on protein function (PMID: 35028538) (PS3_Moderate). The computational predictor REVEL gives a score of 0.87, which is above the LGMD VCEP threshold of ≥0.70, evidence that correlates with impact to DYSF function (PP3). In summary, this variant meets the criteria to be classified as Likely Pathogenic for autosomal recessive limb girdle muscular dystrophy based on the ACMG/AMP criteria applied, as specified by the ClinGen LGMD VCEP (LGMD VCEP specifications version 2.0.0; 12/03/2025): PM3_Supporting, PP4_Strong, PM2_Supporting, PS3_Moderate, PP3.

Eurofins Ntd Llc (ga)
Classification: Uncertain significance. Last evaluated: 2016-06-19. Review status: criteria provided, single submitter. Criteria: EGL Classification Definitions 2015. Collection method: clinical testing. Allele origin: germline. Observed: 1 variant allele, 1 homozygote. Not counted in ClinVar's aggregate classification.

NM_001130987.2(DYSF):c.3520T>C (p.Cys1174Arg)

Gene: DYSF (dysferlin; plus strand). Cytogenetic location: 2p13.2.
Variant type: single nucleotide variant.
Coding change: c.3520T>C on transcript NM_001130987.2 (MANE Select); coding-DNA position 3520, T replaced by C.
Protein change: p.Cys1174Arg; replaces cysteine 1174 with arginine.
Molecular consequence: missense variant.
Genome position (GRCh38, 1-based): chr2:71,590,234, T>C. VCF-style: chr2-71590234-T-C. GRCh37 (hg19) VCF-style: chr2-71817364-T-C.
Other names: NM_001130987.2(DYSF):c.3520T>C; p.Cys1174Arg; c.3469T>C, p.Cys1157Arg (NM_001130455.2, NM_001130983.2); c.3424T>C, p.Cys1142Arg (NM_001130976.2, NM_001130977.2); c.3466T>C, p.Cys1156Arg (NM_001130978.2, NM_003494.4); c.3559T>C, p.Cys1187Arg (NM_001130979.2); c.3517T>C, p.Cys1173Arg (NM_001130980.2, NM_001130981.2); c.3562T>C, p.Cys1188Arg (NM_001130982.2); and 2 more; short protein forms C1174R, C1156R, C1157R, C1142R, C1187R, C1188R, C1143R, C1173R.
Identifiers: ClinVar variation 288860 (VCV000288860.5), dbSNP rs886044028, ClinGen allele CA10606251.